The following is an entry in ClinVar:

ClinVar aggregate classification (germline): Uncertain significance (1 of 4 stars; one submission).

Conditions:
Primary ciliary dyskinesia. Also called: Ciliary dyskinesia. Identifiers: Orphanet 244, MedGen C0008780, MONDO:0016575, HP:0012265.

Submission:

Labcorp Genetics (formerly Invitae), Labcorp
Classification: Uncertain significance for Primary ciliary dyskinesia. Last evaluated: 2021-03-08. Review status: criteria provided, single submitter. Criteria: Invitae Variant Classification Sherloc (09022015). Collection method: clinical testing. Allele origin: germline.
Comment: This variant has not been reported in the literature in individuals with DNAH8-related conditions. Algorithms developed to predict the effect of missense changes on protein structure and function are either unavailable or do not agree on the potential impact of this missense change (SIFT: "Tolerated"; PolyPhen-2: "Not Available"; Align-GVGD: "Class C0"). In summary, the available evidence is currently insufficient to determine the role of this variant in disease. Therefore, it has been classified as a Variant of Uncertain Significance. This variant is not present in population databases (ExAC no frequency). This sequence change replaces glutamic acid with glutamine at codon 299 of the DNAH8 protein (p.Glu299Gln). The glutamic acid residue is moderately conserved and there is a small physicochemical difference between glutamic acid and glutamine.

NM_001206927.2(DNAH8):c.895G>C (p.Glu299Gln)

Gene: DNAH8 (dynein axonemal heavy chain 8; plus strand). Cytogenetic location: 6p21.2.
Variant type: single nucleotide variant.
Coding change: c.895G>C on transcript NM_001206927.2 (MANE Select); coding-DNA position 895, G replaced by C.
Protein change: p.Glu299Gln; replaces glutamic acid 299 with glutamine.
Molecular consequence: missense variant.
Genome position (GRCh38, 1-based): chr6:38,737,199, G>C. VCF-style: chr6-38737199-G-C. GRCh37 (hg19) VCF-style: chr6-38704975-G-C.
Other names: c.244G>C, p.Glu82Gln (NM_001371.4); short protein forms E82Q, E299Q.
Identifiers: ClinVar variation 1377478 (VCV001377478.8), dbSNP rs1307039134, ClinGen allele CA363986691.